The following is an entry in ClinVar:

NM_000520.6(HEXA):c.1154C>T (p.Pro385Leu)

Gene: HEXA (hexosaminidase subunit alpha; minus strand). Cytogenetic location: 15q23.
Variant type: single nucleotide variant.
Coding change: c.1154C>T on transcript NM_000520.6 (MANE Select); coding-DNA position 1154, C replaced by T.
Protein change: p.Pro385Leu; replaces proline 385 with leucine.
Molecular consequence: missense variant.
Genome position (GRCh38, 1-based): chr15:72,346,703, G>A on the plus strand (C>T on the coding strand, the complement: HEXA is on the minus strand). VCF-style: chr15-72346703-G-A. GRCh37 (hg19) VCF-style: chr15-72639044-G-A.
Other names: c.1187C>T, p.Pro396Leu (NM_001318825.2); short protein forms P385L, P396L.
Identifiers: ClinVar variation 2193443 (VCV002193443.1), dbSNP rs768164612, ClinGen allele CA393061455.
Genomic context (GRCh38, chr15:72,346,703, plus strand): 5'-TCCAGCTCCTTCATATAGTTCACTGGAATATCCTCTCGCCACACCTGTATGATTGTGTCT[G>A]GCTGAATCTGTTATAAAAGGTCAAATGGCAGTAAGGACACAAAGCTGAGGAGATTCCTGG-3'
Protein context (NP_000511.2, residues 375-395): EVFDNKVKIQ[Pro385Leu]DTIIQVWRED

ClinVar aggregate classification (germline): Uncertain significance (1 of 4 stars; one submission).

Conditions:
Tay-Sachs disease (TSD). Also called: GM2 gangliosidosis, type 1; Hexosaminidase alpha-subunit deficiency (variant B); Sphingolipidosis, Tay-Sachs; HEXA DEFICIENCY; Hexosaminidase A Deficiency; HEXA Disorders. Identifiers: Orphanet 845, MedGen C0039373, MONDO:0010100, OMIM 272800.

Allele frequency attached by ClinVar (database versions not stated): gnomAD 0.00001; TOPMed 0.00001.
gnomAD v4.1: 10 of 1,613,924 alleles (0.00062%); highest among the groups gnomAD compares: Non-Finnish European, 0.00085%; no homozygotes.

Submission:

Labcorp Genetics (formerly Invitae), Labcorp
Classification: Uncertain significance for Tay-Sachs disease. Last evaluated: 2022-04-28. Review status: criteria provided, single submitter. Criteria: Invitae Variant Classification Sherloc (09022015). Collection method: clinical testing. Allele origin: germline.
Comment: This sequence change replaces proline, which is neutral and non-polar, with leucine, which is neutral and non-polar, at codon 385 of the HEXA protein (p.Pro385Leu). This variant is present in population databases (no rsID available, gnomAD 0.0009%). This missense change has been observed in individual(s) with intellectual disability (PMID: 26350204). Algorithms developed to predict the effect of missense changes on protein structure and function are either unavailable or do not agree on the potential impact of this missense change (SIFT: "Deleterious"; PolyPhen-2: "Possibly Damaging"; Align-GVGD: "Class C0"). Algorithms developed to predict the effect of sequence changes on RNA splicing suggest that this variant may create or strengthen a splice site. In summary, the available evidence is currently insufficient to determine the role of this variant in disease. Therefore, it has been classified as a Variant of Uncertain Significance.

Literature cited by the submitters: PubMed 26350204.